The following is an entry in ClinVar:

NM_015103.3(PLXND1):c.3453T>C (p.Ala1151=)

Gene: PLXND1 (plexin D1; minus strand). Cytogenetic location: 3q22.1.
Variant type: single nucleotide variant.
Coding change: c.3453T>C on transcript NM_015103.3 (MANE Select); coding-DNA position 3453, T replaced by C.
Protein change: p.Ala1151=; no amino-acid change (alanine 1151 retained).
Molecular consequence: synonymous variant.
Genome position (GRCh38, 1-based): chr3:129,571,187, A>G on the plus strand (T>C on the coding strand, the complement: PLXND1 is on the minus strand). VCF-style: chr3-129571187-A-G. GRCh37 (hg19) VCF-style: chr3-129290030-A-G.
Identifiers: ClinVar variation 3050361 (VCV003050361.2), dbSNP rs1306385519, ClinGen allele CA435769534.

ClinVar aggregate classification (germline): Likely benign (0 of 4 stars; one submission).

Conditions:
PLXND1-related disorder. Also called: PLXND1-related condition.

Allele frequency attached by ClinVar (database versions not stated): gnomAD exomes below 0.00001.

Submission:

PreventionGenetics, part of Exact Sciences
Classification: Likely benign for PLXND1-related condition. Last evaluated: 2019-07-12. Review status: no assertion criteria provided. Collection method: clinical testing. Allele origin: germline.
Comment: This variant is classified as likely benign based on ACMG/AMP sequence variant interpretation guidelines (Richards et al. 2015 PMID: 25741868, with internal and published modifications).